The following is an entry in ClinVar:

ClinVar aggregate classification (germline): Uncertain significance (1 of 4 stars; one submission).

Submission:

GeneDx
Classification: Uncertain significance. Last evaluated: 2022-07-08. Review status: criteria provided, single submitter. Criteria: GeneDx Variant Classification Process June 2021. Collection method: clinical testing. Allele origin: germline. Affected: yes.
Comment: Not observed at significant frequency in large population cohorts (gnomAD); In silico analysis supports that this missense variant has a deleterious effect on protein structure/function; Has not been previously published as pathogenic or benign to our knowledge

NM_000264.5(PTCH1):c.910T>A (p.Cys304Ser)

Gene: PTCH1 (patched 1; minus strand). Cytogenetic location: 9q22.32.
Variant type: single nucleotide variant.
Coding change: c.910T>A on transcript NM_000264.5 (MANE Select); coding-DNA position 910, T replaced by A.
Protein change: p.Cys304Ser; replaces cysteine 304 with serine.
Molecular consequence: missense variant. On other transcripts: non-coding transcript variant (1).
Genome position (GRCh38, 1-based): chr9:95,480,425, A>T on the plus strand (T>A on the coding strand, the complement: PTCH1 is on the minus strand). VCF-style: chr9-95480425-A-T. GRCh37 (hg19) VCF-style: chr9-98242707-A-T.
Other names: c.712T>A, p.Cys238Ser (NM_001083602.3); c.907T>A, p.Cys303Ser (NM_001083603.3); c.457T>A, p.Cys153Ser (NM_001083604.3, NM_001083605.3, NM_001083606.3 and 1 more transcripts); c.910T>A, p.Cys304Ser (NM_001354918.2); short protein forms C153S, C238S, C303S, C304S.
Identifiers: ClinVar variation 1810705 (VCV001810705.1), dbSNP rs1588609785, ClinGen allele CA374113742.